The following is an entry in ClinVar:

ClinVar aggregate classification (germline): Conflicting classifications of pathogenicity. Review status: criteria provided, conflicting classifications (1 of 4 stars). 5 submissions from 5 submitters: Uncertain significance (1); Likely benign (4). Last evaluated 2024-11-14.

Conditions:
Hereditary breast ovarian cancer syndrome. Also called: Hereditary breast and ovarian cancer syndrome; Hereditary breast and/or ovarian cancer syndrome; BRCA1- and BRCA2-Associated Hereditary Breast and Ovarian Cancer; Hereditary breast and ovarian cancer; Hereditary breast and ovarian cancer syndrome (HBOC); Breast and ovarian cancer. Identifiers: Orphanet 145, MedGen C0677776, MeSH D061325, MONDO:0003582. Disease mechanism: loss of function.
Hereditary cancer-predisposing syndrome. Also called: Neoplastic Syndromes, Hereditary; Tumor predisposition; Hereditary Cancer Syndrome; Hereditary neoplastic syndrome. Identifiers: Orphanet 140162, MedGen C0027672, MeSH D009386, MONDO:0015356.
Breast-ovarian cancer, familial, susceptibility to, 2 (BROVCA2). Also called: BRCA2 Hereditary Breast and Ovarian Cancer. Identifiers: Orphanet 145, MedGen C2675520, MONDO:0012933, OMIM 612555. Disease mechanism: loss of function.

Allele frequency attached by ClinVar (database versions not stated): TOPMed below 0.00001.

Submissions (5):

GeneDx
Classification: Uncertain significance. Last evaluated: 2024-11-14. Review status: criteria provided, single submitter. Criteria: GeneDx Variant Classification Process June 2021. Collection method: clinical testing. Allele origin: germline.
Comment: Not observed at significant frequency in large population cohorts (gnomAD); In silico analysis indicates that this variant does not alter splicing; Has not been previously published as pathogenic or benign to our knowledge; Also known as 4764T>A

Ambry Genetics
Classification: Likely benign for Hereditary cancer-predisposing syndrome. Last evaluated: 2024-04-15. Review status: criteria provided, single submitter. Criteria: Ambry Variant Classification Scheme 2023. Collection method: clinical testing. Allele origin: germline.

All of Us Research Program, National Institutes of Health
Classification: Likely benign for Breast-ovarian cancer, familial, susceptibility to, 2. Last evaluated: 2023-08-15. Review status: criteria provided, single submitter. Criteria: ACMG Guidelines, 2015. Collection method: clinical testing. Allele origin: germline. Inheritance: Autosomal dominant inheritance. Observed: 1 variant allele, 1 heterozygote.
Comment: This study involves interpretation of variants in research participants for the purpose of population health screening. Participant phenotype was not available at the time of variant classification. Additional details can be found in publication PMID: 35346344, PMCID: PMC8962531

Labcorp Genetics (formerly Invitae), Labcorp
Classification: Likely benign for Hereditary breast ovarian cancer syndrome. Last evaluated: 2023-02-20. Review status: criteria provided, single submitter. Criteria: Invitae Variant Classification Sherloc (09022015). Collection method: clinical testing. Allele origin: germline.

Color Diagnostics, LLC DBA Color Health
Classification: Likely benign for Hereditary cancer-predisposing syndrome. Last evaluated: 2022-05-23. Review status: criteria provided, single submitter. Criteria: ACMG Guidelines, 2015. Collection method: clinical testing. Allele origin: germline.

NM_000059.4(BRCA2):c.4536T>A (p.Arg1512=)

Gene: BRCA2 (BRCA2 DNA repair associated; plus strand). Cytogenetic location: 13q13.1.
Variant type: single nucleotide variant.
Coding change: c.4536T>A on transcript NM_000059.4 (MANE Select); coding-DNA position 4536, T replaced by A.
Protein change: p.Arg1512=; no amino-acid change (arginine 1512 retained).
Molecular consequence: synonymous variant.
Genome position (GRCh38, 1-based): chr13:32,338,891, T>A. VCF-style: chr13-32338891-T-A. GRCh37 (hg19) VCF-style: chr13-32913028-T-A.
Identifiers: ClinVar variation 415694 (VCV000415694.19), dbSNP rs1060504635, ClinGen allele CA16613972.
Genomic context (GRCh38, chr13:32,338,891, plus strand): 5'-AGAAAGTGTCCCAGTTGGTACTGGAAATCAACTAGTGACCTTCCAGGGACAACCCGAACG[T>A]GATGAAAAGATCAAAGAACCTACTCTATTGGGTTTTCATACAGCTAGCGGGAAAAAAGTT-3'
Protein context (NP_000050.3, residues 1502-1522): QLVTFQGQPE[Arg1512=]DEKIKEPTLL